The following is an entry in ClinVar:

NM_058216.3(RAD51C):c.571+7del

Gene: RAD51C (RAD51 paralog C; plus strand). Cytogenetic location: 17q22.
Variant type: Deletion.
Coding change: c.571+7del on transcript NM_058216.3 (MANE Select); 7 bases into the intron after coding-DNA position 571, one base deleted (T; older notation c.571+7delT).
Molecular consequence: intron variant.
Genome position (GRCh38, 1-based): chr17:58,696,866, T deleted; the last of 2 consecutive T bases (chr17:58,696,865-58,696,866); deleting either gives the same sequence. VCF-style (leftmost placement, unchanged base first): chr17-58696864-GT-G. GRCh37 (hg19) VCF-style: chr17-56774225-GT-G.
Identifiers: ClinVar variation 3904486 (VCV003904486.1).

ClinVar aggregate classification (germline): Likely benign (1 of 4 stars; one submission).

Conditions:
Breast-ovarian cancer, familial, susceptibility to, 3. Also called: RAD51C-Related Breast/Ovarian Cancer. Identifiers: Orphanet 145, MedGen C3150659, MONDO:0013253, OMIM 613399.

Submission:

Myriad Genetics, Inc.
Classification: Likely benign for Breast-ovarian cancer, familial, susceptibility to, 3. Last evaluated: 2025-02-18. Review status: criteria provided, single submitter. Criteria: Myriad Autosomal Dominant, Autosomal Recessive and X-Linked Classification Criteria (2023). Collection method: clinical testing. Allele origin: unknown.
Comment: This variant is considered likely benign. This variant is intronic and is not expected to impact mRNA splicing.